The following is an entry in ClinVar:

ClinVar aggregate classification (germline): Uncertain significance. Review status: criteria provided, multiple submitters, no conflicts (2 of 4 stars). 5 submissions from 5 submitters: Uncertain significance (4). 1 of the submissions does not count toward it. Last evaluated 2024-04-03.

Conditions:
Cardiovascular phenotype. Identifiers: MedGen CN230736.
Alstrom syndrome (ALMS). Identifiers: Orphanet 64, MedGen C0268425, MONDO:0008763, OMIM 203800.

Allele frequency attached by ClinVar (database versions not stated): gnomAD exomes below 0.00001 and 0.00001; ExAC 0.00001; gnomAD 0.00001; TOPMed 0.00002.
gnomAD v4.1: 9 of 1,612,224 alleles (0.00056%); highest among the groups gnomAD compares: Admixed American, 0.0017%; no homozygotes.

Submissions (5):

Labcorp Genetics (formerly Invitae), Labcorp
Classification: Uncertain significance for Alstrom syndrome. Last evaluated: 2024-04-03. Review status: criteria provided, single submitter. Criteria: Invitae Variant Classification Sherloc (09022015). Collection method: clinical testing. Allele origin: germline.
Comment: This sequence change replaces serine, which is neutral and polar, with arginine, which is basic and polar, at codon 292 of the ALMS1 protein (p.Ser292Arg). This variant is present in population databases (rs747529881, gnomAD 0.0009%). This variant has not been reported in the literature in individuals affected with ALMS1-related conditions. ClinVar contains an entry for this variant (Variation ID: 385334). Experimental studies and prediction algorithms are not available or were not evaluated, and the functional significance of this variant is currently unknown. In summary, the available evidence is currently insufficient to determine the role of this variant in disease. Therefore, it has been classified as a Variant of Uncertain Significance.

Ambry Genetics
Classification: Uncertain significance for Cardiovascular phenotype. Last evaluated: 2023-05-10. Review status: criteria provided, single submitter. Criteria: Ambry Variant Classification Scheme 2023. Collection method: clinical testing. Allele origin: germline.
Comment: The p.S292R variant (also known as c.876T>G), located in coding exon 5 of the ALMS1 gene, results from a T to G substitution at nucleotide position 876. The serine at codon 292 is replaced by arginine, an amino acid with dissimilar properties. This amino acid position is well conserved in available vertebrate species. In addition, this alteration is predicted to be tolerated by in silico analysis. Since supporting evidence is limited at this time, the clinical significance of this alteration remains unclear.

Fulgent Genetics
Classification: Uncertain significance for Alstrom syndrome. Last evaluated: 2022-03-08. Review status: criteria provided, single submitter. Criteria: ACMG Guidelines, 2015. Collection method: clinical testing. Allele origin: unknown.

GeneDx
Classification: Uncertain significance. Last evaluated: 2019-09-13. Review status: criteria provided, single submitter. Criteria: GeneDx Variant Classification Process June 2021. Collection method: clinical testing. Allele origin: germline. Affected: yes.
Comment: Not observed in large population cohorts (Lek et al., 2016); In silico analysis, which includes protein predictors and evolutionary conservation, supports that this variant does not alter protein structure/function; Has not been previously published as pathogenic or benign to our knowledge

Natera, Inc.
Classification: Uncertain significance for Alstrom syndrome. Last evaluated: 2020-02-05. Review status: no assertion criteria provided. Collection method: clinical testing. Allele origin: germline. Not counted in ClinVar's aggregate classification.

NM_001378454.1(ALMS1):c.873T>G (p.Ser291Arg)

Gene: ALMS1 (ALMS1 centrosome and basal body associated protein; plus strand). Cytogenetic location: 2p13.1.
Variant type: single nucleotide variant.
Coding change: c.873T>G on transcript NM_001378454.1 (MANE Select); coding-DNA position 873, T replaced by G.
Protein change: p.Ser291Arg; replaces serine 291 with arginine.
Molecular consequence: missense variant.
Genome position (GRCh38, 1-based): chr2:73,424,538, T>G. VCF-style: chr2-73424538-T-G. GRCh37 (hg19) VCF-style: chr2-73651666-T-G.
Other names: c.876T>G, p.Ser292Arg (NM_015120.4); short protein forms S292R, S291R.
Identifiers: ClinVar variation 385334 (VCV000385334.11), dbSNP rs747529881, ClinGen allele CA1713004.
Genomic context (GRCh38, chr2:73,424,538, plus strand): 5'-GGAAGTTAGTGAAGCTTTATTCCAGGCTACTGCAGAAGTAGCTTCAGACTTAGCAAGCAG[T>G]CGCTTTAGTGTATCTCAGCACCCGCTTATAGGCAGCACAGCTGTTGGGTCTCAGTGCCCT-3'
Protein context (NP_001365383.1, residues 281-301): TAEVASDLAS[Ser291Arg]RFSVSQHPLI